The following is an entry in ClinVar:

NM_025099.6(CTC1):c.268A>G (p.Ser90Gly)

Gene: CTC1 (CST telomere replication complex component 1; minus strand). Cytogenetic location: 17p13.1.
Variant type: single nucleotide variant.
Coding change: c.268A>G on transcript NM_025099.6 (MANE Select); coding-DNA position 268, A replaced by G.
Protein change: p.Ser90Gly; replaces serine 90 with glycine.
Molecular consequence: missense variant. On other transcripts: non-coding transcript variant (1).
Genome position (GRCh38, 1-based): chr17:8,238,559, T>C on the plus strand (A>G on the coding strand, the complement: CTC1 is on the minus strand). VCF-style: chr17-8238559-T-C. GRCh37 (hg19) VCF-style: chr17-8141877-T-C.
Other names: short protein forms S90G.
Identifiers: ClinVar variation 1358991 (VCV001358991.6), dbSNP rs371308970, ClinGen allele CA287539437.

ClinVar aggregate classification (germline): Uncertain significance (1 of 4 stars; one submission).

Conditions:
Dyskeratosis congenita. Identifiers: Orphanet 1775, MedGen C0265965, MONDO:0015780.

Allele frequency attached by ClinVar (database versions not stated): gnomAD exomes 0.00001 and 0.00004; gnomAD 0.00003; TOPMed 0.00003; ESP Exome Variant Server 0.00008.
gnomAD v4.1: 59 of 1,614,060 alleles (0.0037%); highest among the groups gnomAD compares: Non-Finnish European, 0.0047%; no homozygotes.

Submission:

Labcorp Genetics (formerly Invitae), Labcorp
Classification: Uncertain significance for Dyskeratosis congenita. Last evaluated: 2023-11-18. Review status: criteria provided, single submitter. Criteria: Invitae Variant Classification Sherloc (09022015). Collection method: clinical testing. Allele origin: germline.
Comment: This sequence change replaces serine, which is neutral and polar, with glycine, which is neutral and non-polar, at codon 90 of the CTC1 protein (p.Ser90Gly). This variant is present in population databases (rs371308970, gnomAD 0.002%). This variant has not been reported in the literature in individuals affected with CTC1-related conditions. ClinVar contains an entry for this variant (Variation ID: 1358991). Advanced modeling of protein sequence and biophysical properties (such as structural, functional, and spatial information, amino acid conservation, physicochemical variation, residue mobility, and thermodynamic stability) performed at Invitae indicates that this missense variant is not expected to disrupt CTC1 protein function with a negative predictive value of 80%. In summary, the available evidence is currently insufficient to determine the role of this variant in disease. Therefore, it has been classified as a Variant of Uncertain Significance.